The following is an entry in ClinVar:

NM_013372.7(GREM1):c.191G>T (p.Arg64Leu)

Gene: GREM1 (gremlin 1, DAN family BMP antagonist; plus strand). Cytogenetic location: 15q13.3.
Variant type: single nucleotide variant.
Coding change: c.191G>T on transcript NM_013372.7 (MANE Select); coding-DNA position 191, G replaced by T.
Protein change: p.Arg64Leu; replaces arginine 64 with leucine.
Molecular consequence: missense variant. On other transcripts: intron variant (2).
Genome position (GRCh38, 1-based): chr15:32,730,881, G>T. VCF-style: chr15-32730881-G-T. GRCh37 (hg19) VCF-style: chr15-33023082-G-T.
Other names: c.191G>T, p.Arg64Leu (NM_001368719.1); c.115-47G>T (NM_001191323.2); c.28-47G>T (NM_001191322.2); short protein forms R64L.
Identifiers: ClinVar variation 4032206 (VCV004032206.1).

ClinVar aggregate classification (germline): Uncertain significance (1 of 4 stars; one submission).

Conditions:
Hereditary cancer-predisposing syndrome. Also called: Neoplastic Syndromes, Hereditary; Tumor predisposition; Hereditary neoplastic syndrome; Hereditary Cancer Syndrome. Identifiers: Orphanet 140162, MedGen C0027672, MeSH D009386, MONDO:0015356.

Submission:

Ambry Genetics
Classification: Uncertain significance for Hereditary cancer-predisposing syndrome. Last evaluated: 2025-05-10. Review status: criteria provided, single submitter. Criteria: Ambry Variant Classification Scheme 2023. Collection method: clinical testing. Allele origin: germline.
Comment: The p.R64L variant (also known as c.191G>T), located in coding exon 1 of the GREM1 gene, results from a G to T substitution at nucleotide position 191. The arginine at codon 64 is replaced by leucine, an amino acid with dissimilar properties. This amino acid position is conserved. In addition, this alteration is predicted to be tolerated by in silico analysis. Based on the available evidence, the clinical significance of this variant remains unclear.